The following is an entry in ClinVar:

NM_004370.6(COL12A1):c.529A>G (p.Thr177Ala)

Gene: COL12A1 (collagen type XII alpha 1 chain; minus strand). Cytogenetic location: 6q13.
Variant type: single nucleotide variant.
Coding change: c.529A>G on transcript NM_004370.6 (MANE Select); coding-DNA position 529, A replaced by G.
Protein change: p.Thr177Ala; replaces threonine 177 with alanine.
Molecular consequence: missense variant. On other transcripts: intron variant (1).
Genome position (GRCh38, 1-based): chr6:75,189,681, T>C on the plus strand (A>G on the coding strand, the complement: COL12A1 is on the minus strand). VCF-style: chr6-75189681-T-C. GRCh37 (hg19) VCF-style: chr6-75899397-T-C.
Other names: c.73+13039A>G (NM_080645.3); short protein forms T177A.
Identifiers: ClinVar variation 2084861 (VCV002084861.4), dbSNP rs375778726, ClinGen allele CA141002019.
Genomic context (GRCh38, chr6:75,189,681, plus strand): 5'-ACTGATTTAAGTTAAATTCAGTCCTGGTATCAGAGCTGTATTGAACAACTCCAACTCTTG[T>C]CTTCTCTTCCCCAATGTCAAAAGCAGACACAAGAGCAGCAATGAAGTCTAAAATGTACTT-3'
Protein context (NP_004361.3, residues 167-187): VSAFDIGEEK[Thr177Ala]RVGVVQYSSD

ClinVar aggregate classification (germline): Uncertain significance (1 of 4 stars; one submission).

Conditions:
Ullrich congenital muscular dystrophy 2 (UCMD2). Identifiers: Orphanet 75840, MedGen C4225314, MONDO:0014654, OMIM 616470.
Bethlem myopathy 2 (BTHLM2). Identifiers: Orphanet 536516, Orphanet 610, MedGen C4225313, MONDO:0034022, OMIM 616471.

Allele frequency attached by ClinVar (database versions not stated): gnomAD 0.00001; TOPMed 0.00002; ESP Exome Variant Server 0.00008.
gnomAD v4.1: 3 of 1,613,366 alleles (0.00019%); highest among the groups gnomAD compares: African/African-American, 0.0027%; no homozygotes.

Submission:

Labcorp Genetics (formerly Invitae), Labcorp
Classification: Uncertain significance for Bethlem myopathy 2; Ullrich congenital muscular dystrophy 2. Last evaluated: 2022-02-28. Review status: criteria provided, single submitter. Criteria: Invitae Variant Classification Sherloc (09022015). Collection method: clinical testing. Allele origin: germline.
Comment: This sequence change replaces threonine, which is neutral and polar, with alanine, which is neutral and non-polar, at codon 177 of the COL12A1 protein (p.Thr177Ala). In summary, the available evidence is currently insufficient to determine the role of this variant in disease. Therefore, it has been classified as a Variant of Uncertain Significance. Algorithms developed to predict the effect of missense changes on protein structure and function are either unavailable or do not agree on the potential impact of this missense change (SIFT: "Deleterious"; PolyPhen-2: "Probably Damaging"; Align-GVGD: "Class C0"). This variant has not been reported in the literature in individuals affected with COL12A1-related conditions. This variant is not present in population databases (gnomAD no frequency).